The following is an entry in ClinVar:

NM_198253.3(TERT):c.3177G>C (p.Lys1059Asn)

Gene: TERT (telomerase reverse transcriptase; minus strand). Cytogenetic location: 5p15.33.
Variant type: single nucleotide variant.
Coding change: c.3177G>C on transcript NM_198253.3 (MANE Select); coding-DNA position 3177, G replaced by C.
Protein change: p.Lys1059Asn; replaces lysine 1059 with asparagine.
Molecular consequence: missense variant. On other transcripts: non-coding transcript variant (2).
Genome position (GRCh38, 1-based): chr5:1,254,486, C>G on the plus strand (G>C on the coding strand, the complement: TERT is on the minus strand). VCF-style: chr5-1254486-C-G. GRCh37 (hg19) VCF-style: chr5-1254601-C-G.
Other names: c.3177G>C (NM_198253.2); c.2988G>C, p.Lys996Asn (NM_001193376.3); short protein forms K1059N, K996N.
Identifiers: ClinVar variation 1392370 (VCV001392370.7), dbSNP rs1747574274, ClinGen allele CA359067518.

ClinVar aggregate classification (germline): Uncertain significance. Review status: criteria provided, multiple submitters, no conflicts (2 of 4 stars). 2 submissions from 2 submitters: Uncertain significance (2). Last evaluated 2025-07-21.

Conditions:
Idiopathic Pulmonary Fibrosis. Also called: Idiopathic fibrosing alveolitis, chronic form; idiopathic fibrosing alveolitis. Identifiers: Orphanet 2032, MedGen C1800706, MeSH D054990, MONDO:0800504.
Dyskeratosis congenita, autosomal dominant 2. Identifiers: MedGen C3151443, MONDO:0013521, OMIM 613989.
Dyskeratosis congenita. Identifiers: Orphanet 1775, MedGen C0265965, MONDO:0015780.

Allele frequency attached by ClinVar (database versions not stated): TOPMed below 0.00001.

Submissions (2):

Labcorp Genetics (formerly Invitae), Labcorp
Classification: Uncertain significance for Dyskeratosis congenita, autosomal dominant 2; Idiopathic Pulmonary Fibrosis. Last evaluated: 2025-07-21. Review status: criteria provided, single submitter. Criteria: Invitae Variant Classification Sherloc (09022015). Collection method: clinical testing. Allele origin: germline.
Comment: This sequence change replaces lysine, which is basic and polar, with asparagine, which is neutral and polar, at codon 1059 of the TERT protein (p.Lys1059Asn). This variant is not present in population databases (gnomAD no frequency). This variant has not been reported in the literature in individuals affected with TERT-related conditions. ClinVar contains an entry for this variant (Variation ID: 1392370). Invitae Evidence Modeling of protein sequence and biophysical properties (such as structural, functional, and spatial information, amino acid conservation, physicochemical variation, residue mobility, and thermodynamic stability) has been performed for this missense variant. However, the output from this modeling did not meet the statistical confidence thresholds required to predict the impact of this variant on TERT protein function. In summary, the available evidence is currently insufficient to determine the role of this variant in disease. Therefore, it has been classified as a Variant of Uncertain Significance.

Ambry Genetics
Classification: Uncertain significance for Dyskeratosis congenita. Last evaluated: 2022-11-18. Review status: criteria provided, single submitter. Criteria: Ambry Variant Classification Scheme 2023. Collection method: clinical testing. Allele origin: germline.
Comment: The p.K1059N variant (also known as c.3177G>C), located in coding exon 15 of the TERT gene, results from a G to C substitution at nucleotide position 3177. The lysine at codon 1059 is replaced by asparagine, an amino acid with similar properties. This amino acid position is conserved. In addition, this alteration is predicted to be tolerated by in silico analysis. Since supporting evidence is limited at this time, the clinical significance of this alteration remains unclear.